The following is an entry in ClinVar:

ClinVar aggregate classification (germline): Pathogenic (1 of 4 stars; one submission).

Submission:

Labcorp Genetics (formerly Invitae), Labcorp
Classification: Pathogenic. Last evaluated: 2023-02-06. Review status: criteria provided, single submitter. Criteria: Invitae Variant Classification Sherloc (09022015). Collection method: clinical testing. Allele origin: germline.
Comment: For these reasons, this variant has been classified as Pathogenic. This variant has not been reported in the literature in individuals affected with TBX20-related conditions. This variant is not present in population databases (gnomAD no frequency). This sequence change creates a premature translational stop signal (p.Gln199*) in the TBX20 gene. It is expected to result in an absent or disrupted protein product. Loss-of-function variants in TBX20 are known to be pathogenic (PMID: 15901664, 25625280, 26118961, 27510170).

Literature cited by the submitters: PubMed 15901664; PubMed 25625280; PubMed 26118961; PubMed 27510170.

NM_001077653.2(TBX20):c.595C>T (p.Gln199Ter)

Gene: TBX20 (T-box transcription factor 20; minus strand). Cytogenetic location: 7p14.2.
Variant type: single nucleotide variant.
Coding change: c.595C>T on transcript NM_001077653.2 (MANE Select); coding-DNA position 595, C replaced by T.
Protein change: p.Gln199Ter; replaces glutamine 199 with a stop codon.
Molecular consequence: nonsense.
Genome position (GRCh38, 1-based): chr7:35,245,008, G>A on the plus strand (C>T on the coding strand, the complement: TBX20 is on the minus strand). VCF-style: chr7-35245008-G-A. GRCh37 (hg19) VCF-style: chr7-35284620-G-A.
Other names: c.595C>T, p.Gln199Ter (NM_001166220.1); short protein forms Q199*.
Identifiers: ClinVar variation 2834950 (VCV002834950.3), dbSNP rs2546994724, ClinGen allele CA367264396.